The following is an entry in ClinVar:

NM_033225.6(CSMD1):c.4720A>G (p.Thr1574Ala)

Gene: CSMD1 (CUB and Sushi multiple domains 1; minus strand). Cytogenetic location: 8p23.2.
Variant type: single nucleotide variant.
Coding change: c.4720A>G on transcript NM_033225.6 (MANE Select); coding-DNA position 4720, A replaced by G.
Protein change: p.Thr1574Ala; replaces threonine 1574 with alanine.
Molecular consequence: missense variant.
Genome position (GRCh38, 1-based): chr8:3,214,644, T>C on the plus strand (A>G on the coding strand, the complement: CSMD1 is on the minus strand). VCF-style: chr8-3214644-T-C. GRCh37 (hg19) VCF-style: chr8-3072166-T-C.
Other names: short protein forms T1574A.
Identifiers: ClinVar variation 2635465 (VCV002635465.1), dbSNP rs1179997311, ClinGen allele CA369973460.

ClinVar aggregate classification (germline): Uncertain significance (1 of 4 stars; one submission).

Conditions:
CSMD1-related disorder. Also called: CSMD1-related condition.

Submission:

PreventionGenetics, part of Exact Sciences
Classification: Uncertain significance for CSMD1-related condition. Last evaluated: 2022-11-26. Review status: criteria provided, single submitter. Criteria: ACMG Guidelines, 2015. Collection method: clinical testing. Allele origin: germline.
Comment: The CSMD1 c.4720A>G variant is predicted to result in the amino acid substitution p.Thr1574Ala. To our knowledge, this variant has not been reported in the literature or in a large population database, indicating this variant is rare. At this time, the clinical significance of this variant is uncertain due to the absence of conclusive functional and genetic evidence.